The following is an entry in ClinVar:

NM_012291.5(ESPL1):c.4528G>A (p.Gly1510Arg)

Gene: ESPL1 (extra spindle pole bodies like 1, separase; plus strand). Cytogenetic location: 12q13.13.
Variant type: single nucleotide variant.
Coding change: c.4528G>A on transcript NM_012291.5 (MANE Select); coding-DNA position 4528, G replaced by A.
Protein change: p.Gly1510Arg; replaces glycine 1510 with arginine.
Molecular consequence: missense variant.
Genome position (GRCh38, 1-based): chr12:53,288,323, G>A. VCF-style: chr12-53288323-G-A. GRCh37 (hg19) VCF-style: chr12-53682107-G-A.
Other names: short protein forms G1510R.
Identifiers: ClinVar variation 3044670 (VCV003044670.2), dbSNP rs143177748, ClinGen allele CA6597694.

ClinVar aggregate classification (germline): Likely benign (0 of 4 stars; one submission).

Conditions:
ESPL1-related disorder. Also called: ESPL1-related condition.

Allele frequency attached by ClinVar (database versions not stated): ExAC 0.00066; 1000 Genomes Project 0.00120; gnomAD 0.00146; TOPMed 0.00159; 1000 Genomes Project 30x 0.00172; ESP Exome Variant Server 0.00177.
gnomAD v4.1: 473 of 1,600,436 alleles (0.03%); highest among the groups gnomAD compares: African/African-American, 0.5%; 1 homozygote.

Submission:

PreventionGenetics, part of Exact Sciences
Classification: Likely benign for ESPL1-related condition. Last evaluated: 2022-12-27. Review status: no assertion criteria provided. Collection method: clinical testing. Allele origin: germline.
Comment: This variant is classified as likely benign based on ACMG/AMP sequence variant interpretation guidelines (Richards et al. 2015 PMID: 25741868, with internal and published modifications).